The following is an entry in ClinVar:

ClinVar aggregate classification (germline): Uncertain significance (1 of 4 stars; one submission).

Submission:

Labcorp Genetics (formerly Invitae), Labcorp
Classification: Uncertain significance. Last evaluated: 2023-08-18. Review status: criteria provided, single submitter. Criteria: Invitae Variant Classification Sherloc (09022015). Collection method: clinical testing. Allele origin: germline.
Comment: This variant has not been reported in the literature in individuals affected with MPDZ-related conditions. In summary, the available evidence is currently insufficient to determine the role of this variant in disease. Therefore, it has been classified as a Variant of Uncertain Significance. This sequence change replaces valine, which is neutral and non-polar, with glycine, which is neutral and non-polar, at codon 1167 of the MPDZ protein (p.Val1167Gly). This variant is not present in population databases (gnomAD no frequency). ClinVar contains an entry for this variant (Variation ID: 1392617). An algorithm developed to predict the effect of missense changes on protein structure and function (PolyPhen-2) suggests that this variant is likely to be disruptive.

NM_001378778.1(MPDZ):c.3500T>G (p.Val1167Gly)

Gene: MPDZ (multiple PDZ domain crumbs cell polarity complex component; minus strand). Cytogenetic location: 9p23.
Variant type: single nucleotide variant.
Coding change: c.3500T>G on transcript NM_001378778.1 (MANE Select); coding-DNA position 3500, T replaced by G.
Protein change: p.Val1167Gly; replaces valine 1167 with glycine.
Molecular consequence: missense variant.
Genome position (GRCh38, 1-based): chr9:13,150,641, A>C on the plus strand (T>G on the coding strand, the complement: MPDZ is on the minus strand). VCF-style: chr9-13150641-A-C. GRCh37 (hg19) VCF-style: chr9-13150640-A-C.
Other names: c.3500T>G, p.Val1167Gly (NM_001261406.2, NM_001261407.2, NM_001330637.2 and 13 more transcripts); c.3302T>G, p.Val1101Gly (NM_001375427.1); short protein forms V1101G, V1167G.
Identifiers: ClinVar variation 1392617 (VCV001392617.6), dbSNP rs2133040383, ClinGen allele CA372951150.